The following is an entry in ClinVar:

NM_001854.4(COL11A1):c.3851C>G (p.Ala1284Gly)

Gene: COL11A1 (collagen type XI alpha 1 chain; minus strand). Cytogenetic location: 1p21.1.
Variant type: single nucleotide variant.
Coding change: c.3851C>G on transcript NM_001854.4 (MANE Select); coding-DNA position 3851, C replaced by G.
Protein change: p.Ala1284Gly; replaces alanine 1284 with glycine.
Molecular consequence: missense variant. On other transcripts: non-coding transcript variant (1).
Genome position (GRCh38, 1-based): chr1:102,914,777, G>C on the plus strand (C>G on the coding strand, the complement: COL11A1 is on the minus strand). VCF-style: chr1-102914777-G-C. GRCh37 (hg19) VCF-style: chr1-103380333-G-C.
Other names: c.3887C>G, p.Ala1296Gly (NM_080629.3); c.3503C>G, p.Ala1168Gly (NM_080630.4); c.3734C>G, p.Ala1245Gly (NM_001190709.2); short protein forms A1168G, A1284G, A1296G, A1245G.
Identifiers: ClinVar variation 3693247 (VCV003693247.2).

ClinVar aggregate classification (germline): Uncertain significance (1 of 4 stars; one submission).

gnomAD v4.1: 1 of 1,611,904 alleles (0.000062%); highest among the groups gnomAD compares: Non-Finnish European, 0.000085%; no homozygotes.

Submission:

Labcorp Genetics (formerly Invitae), Labcorp
Classification: Uncertain significance. Last evaluated: 2024-06-08. Review status: criteria provided, single submitter. Criteria: Invitae Variant Classification Sherloc (09022015). Collection method: clinical testing. Allele origin: germline.
Comment: This sequence change replaces alanine, which is neutral and non-polar, with glycine, which is neutral and non-polar, at codon 1284 of the COL11A1 protein (p.Ala1284Gly). This variant is not present in population databases (gnomAD no frequency). This variant has not been reported in the literature in individuals affected with COL11A1-related conditions. Advanced modeling of protein sequence and biophysical properties (such as structural, functional, and spatial information, amino acid conservation, physicochemical variation, residue mobility, and thermodynamic stability) performed at Invitae indicates that this missense variant is not expected to disrupt COL11A1 protein function with a negative predictive value of 95%. In summary, the available evidence is currently insufficient to determine the role of this variant in disease. Therefore, it has been classified as a Variant of Uncertain Significance.